The following is an entry in ClinVar:

NM_001035.3(RYR2):c.12608C>T (p.Ala4203Val)

Genes: RYR2 (ryanodine receptor 2; plus strand), LOC126806068 (BRD4-independent group 4 enhancer GRCh37_chr1:237947411-237948610; plus strand). Cytogenetic location: 1q43.
Variant type: single nucleotide variant.
Coding change: c.12608C>T on transcript NM_001035.3 (MANE Select); coding-DNA position 12608, C replaced by T.
Protein change: p.Ala4203Val; replaces alanine 4203 with valine.
Molecular consequence: missense variant.
Genome position (GRCh38, 1-based): chr1:237,784,320, C>T. VCF-style: chr1-237784320-C-T. GRCh37 (hg19) VCF-style: chr1-237947620-C-T.
Other names: p.A4203V:GCG>GTG; c.12608C>T, p.Ala4203Val (LRG_402t1); short protein forms A4203V.
Identifiers: ClinVar variation 201339 (VCV000201339.15), dbSNP rs794728792, ClinGen allele CA007648.
Genomic context (GRCh38, chr1:237,784,320, plus strand): 5'-AAGAGAAGATGGAACTCTTTGTGAACTTCTGCGAGGACACCATCTTTGAAATGCAGCTGG[C>T]GGCTCAGATCTCGGAGTCGGACTTGAACGAGAGGTCAGCGAATAAGGAAGAAAGCGAGAA-3'
Protein context (NP_001026.2, residues 4193-4213): CEDTIFEMQL[Ala4203Val]AQISESDLNE

ClinVar aggregate classification (germline): Conflicting classifications of pathogenicity. Review status: criteria provided, conflicting classifications (1 of 4 stars). 5 submissions from 5 submitters: Likely pathogenic (3); Uncertain significance (2). Last evaluated 2026-09-01.

Conditions:
RYR2-related disorder. Also called: RYR2-related condition.
Catecholaminergic polymorphic ventricular tachycardia 1. Also called: VENTRICULAR TACHYCARDIA, CATECHOLAMINERGIC POLYMORPHIC, 1, WITH OR WITHOUT ATRIAL DYSFUNCTION AND/OR DILATED CARDIOMYOPATHY; VENTRICULAR TACHYCARDIA, STRESS-INDUCED POLYMORPHIC 1; RYR2-Related Catecholaminergic Polymorphic Ventricular Tachycardia. Identifiers: Orphanet 3286, MedGen C1631597, MONDO:0011484, OMIM 604772.

Submissions (5):

GeneDx
Classification: Likely pathogenic. Last evaluated: 2026-09-01. Review status: criteria provided, single submitter. Criteria: GeneDx Variant Classification Process June 2021. Collection method: clinical testing. Allele origin: germline.
Comment: Identified in a patient with idiopathic ventricular fibrillation in published literature (PMID: 34546788) and in a family with history of sudden cardiac arrest referred for genetic testing at GeneDx; Not observed at significant frequency in large population cohorts (gnomAD); In silico analysis supports that this missense variant has a deleterious effect on protein structure/function; Located in one of the three hot-spot regions of the RYR2 gene, where the majority of pathogenic missense variants occur (PMID: 19926015); Published functional studies demonstrate a damaging effect as the p.(A4203V) variant reduces receptor sensitivity (PMID: 34546788); This variant is associated with the following publications: (PMID: 19926015, 34546788)

Labcorp Genetics (formerly Invitae), Labcorp
Classification: Uncertain significance for Catecholaminergic polymorphic ventricular tachycardia 1. Last evaluated: 2023-05-31. Review status: criteria provided, single submitter. Criteria: Invitae Variant Classification Sherloc (09022015). Collection method: clinical testing. Allele origin: germline.
Comment: In summary, the available evidence is currently insufficient to determine the role of this variant in disease. Therefore, it has been classified as a Variant of Uncertain Significance. Advanced modeling of protein sequence and biophysical properties (such as structural, functional, and spatial information, amino acid conservation, physicochemical variation, residue mobility, and thermodynamic stability) performed at Invitae indicates that this missense variant is expected to disrupt RYR2 protein function. ClinVar contains an entry for this variant (Variation ID: 201339). This missense change has been observed in individual(s) with clinical features of RYR2-related conditions (Invitae). This variant is not present in population databases (gnomAD no frequency). This sequence change replaces alanine, which is neutral and non-polar, with valine, which is neutral and non-polar, at codon 4203 of the RYR2 protein (p.Ala4203Val).

Victorian Clinical Genetics Services, Murdoch Childrens Research Institute
Classification: Likely pathogenic for Catecholaminergic polymorphic ventricular tachycardia 1. Last evaluated: 2021-05-06. Review status: criteria provided, single submitter. Criteria: ACMG Guidelines, 2015. Collection method: clinical testing. Allele origin: germline. Inheritance: Autosomal dominant inheritance. Affected: yes.
Comment: Based on the classification scheme VCGS_Germline_v1.3.4, this variant is classified as Likely Pathogenic. Following criteria are met: 0103 - Dominant negative and gain of function are known mechanisms of disease in this gene and are associated with catecholaminergic polymorphic ventricular tachycardia (CPVT) (MIM#604772). Functional studies have shown that pathogenic variants can have dominant negative (reduced calcium ion release) or gain of function (increased calcium ion release) effects on the RYR2 pore (PMID: 27646203, 29477366). (I) 0107 - This gene is associated with autosomal dominant disease. (I) 0112 - The condition associated with this gene has incomplete penetrance. Average penetrance for CPVT is estimated at 70% to 80% (OMIM). (I) 0200 - Variant is predicted to result in a missense amino acid change from alanine to valine. (I) 0251 - This variant is heterozygous. (I) 0301 - Variant is absent from gnomAD (both v2 and v3). (SP) 0501 - Missense variant consistently predicted to be damaging by multiple in silico tools or highly conserved with a major amino acid change. (SP) 0603 - Missense variant in a region that is highly intolerant to missense variation (high constraint region in DECIPHER). (SP) 0705 - No comparable missense variants have previous evidence for pathogenicity. (I) 0804 - This variant has previously been described as a variant of uncertain significance in multiple independent cases with consistent phenotype despite being absent in the general population. This variant has been reported twice as a VUS in the ClinVar database by diagnostic laboratories. These laboratories have observed the variant in three unrelated individuals with history of sudden cardiac arrest (personal correspondence). (SP) 0905 - No published segregation evidence has been identified for this variant. (I) 1007 - No published functional evidence has been identified for this variant. (I) 1208 - Inheritance information for this variant is not currently available in this individual. (I) Legend: (SP) - Supporting pathogenic, (I) - Information, (SB) - Supporting benign

Revvity Omics, Revvity
Classification: Uncertain significance. Last evaluated: 2019-09-18. Review status: criteria provided, single submitter. Criteria: ACMG Guidelines, 2015. Collection method: clinical testing. Allele origin: germline.

Blueprint Genetics
Classification: Likely pathogenic for RYR2-related disorders. Last evaluated: 2018-10-10. Review status: criteria provided, single submitter. Criteria: ACMG Guidelines, 2015. Collection method: clinical testing. Allele origin: germline. Affected: yes. Observed: 1 variant allele.

Literature cited by the submitters: PubMed 27646203 (cited by Victorian Clinical Genetics Services, Murdoch Childrens Research Institute); PubMed 29477366 (cited by Victorian Clinical Genetics Services, Murdoch Childrens Research Institute).